The following is an entry in ClinVar:

ClinVar aggregate classification (germline): Pathogenic (1 of 4 stars; one submission).

Conditions:
Neurodevelopmental disorder. Identifiers: MedGen C1535926, MeSH D065886, MONDO:0700092.

Submission:

Mendelics
Classification: Pathogenic for Neurodevelopmental disorder. Last evaluated: 2026-03-05. Review status: criteria provided, single submitter. Criteria: ACMG Guidelines, 2015. Collection method: clinical testing. Allele origin: unknown.
Comment: Likely pathogenic/Pathogenic according to ACMG criteria.

NM_001378024.1(ARHGAP32):c.1583C>G (p.Thr528Arg)

Gene: ARHGAP32 (Rho GTPase activating protein 32; minus strand). Cytogenetic location: 11q24.3.
Variant type: single nucleotide variant.
Coding change: c.1583C>G on transcript NM_001378024.1 (MANE Select); coding-DNA position 1583, C replaced by G.
Protein change: p.Thr528Arg; replaces threonine 528 with arginine.
Molecular consequence: missense variant.
Genome position (GRCh38, 1-based): chr11:128,981,880, G>C on the plus strand (C>G on the coding strand, the complement: ARHGAP32 is on the minus strand). VCF-style: chr11-128981880-G-C. GRCh37 (hg19) VCF-style: chr11-128851775-G-C.
Other names: c.1541C>G, p.Thr514Arg (NM_001142685.2); c.1421C>G, p.Thr474Arg (NM_001378025.1); c.494C>G, p.Thr165Arg (NM_014715.4); short protein forms T165R, T474R, T514R, T528R.
Identifiers: ClinVar variation 4813608 (VCV004813608.1).